The following is an entry in ClinVar:

NM_000057.4(BLM):c.1763A>G (p.Lys588Arg)

Gene: BLM (BLM RecQ like helicase; plus strand). Cytogenetic location: 15q26.1.
Variant type: single nucleotide variant.
Coding change: c.1763A>G on transcript NM_000057.4 (MANE Select); coding-DNA position 1763, A replaced by G.
Protein change: p.Lys588Arg; replaces lysine 588 with arginine.
Molecular consequence: missense variant.
Genome position (GRCh38, 1-based): chr15:90,761,136, A>G. VCF-style: chr15-90761136-A-G. GRCh37 (hg19) VCF-style: chr15-91304366-A-G.
Other names: c.1763A>G, p.Lys588Arg (NM_001287246.2, NM_001287247.2); c.638A>G, p.Lys213Arg (NM_001287248.2); short protein forms K588R, K213R.
Identifiers: ClinVar variation 3824459 (VCV003824459.1).
Genomic context (GRCh38, chr15:90,761,136, plus strand): 5'-AAGACATAATGCATAATTTAGCAGCCAGCAAATCTTCCACAGCTGCCTATCAACCCATCA[A>G]GGAAGGTCGGCCAATTAAATCAGTATCAGAAAGACTTTCCTCAGCCAAGACAGACTGTCT-3'
Protein context (NP_000048.1, residues 578-598): KSSTAAYQPI[Lys588Arg]EGRPIKSVSE

ClinVar aggregate classification (germline): Uncertain significance (1 of 4 stars; one submission).

Conditions:
Hereditary cancer-predisposing syndrome. Also called: Hereditary neoplastic syndrome; Neoplastic Syndromes, Hereditary; Tumor predisposition; Hereditary Cancer Syndrome. Identifiers: Orphanet 140162, MedGen C0027672, MeSH D009386, MONDO:0015356.

Submission:

Ambry Genetics
Classification: Uncertain significance for Hereditary cancer-predisposing syndrome. Last evaluated: 2025-01-28. Review status: criteria provided, single submitter. Criteria: Ambry Variant Classification Scheme 2023. Collection method: clinical testing. Allele origin: germline.
Comment: The p.K588R variant (also known as c.1763A>G), located in coding exon 6 of the BLM gene, results from an A to G substitution at nucleotide position 1763. The lysine at codon 588 is replaced by arginine, an amino acid with highly similar properties. This amino acid position is conserved. In addition, this alteration is predicted to be tolerated by in silico analysis. Based on the available evidence, the clinical significance of this variant remains unclear.